The following is an entry in ClinVar:

ClinVar aggregate classification (germline): Uncertain significance. Review status: criteria provided, multiple submitters, no conflicts (2 of 4 stars). 3 submissions from 3 submitters: Uncertain significance (3). Last evaluated 2025-08-01.

Conditions:
Immunodeficiency 51 (IMD51). Also called: CANDIDIASIS, FAMILIAL, 5. Identifiers: Orphanet 1334, MedGen C4310803, MONDO:0013500, OMIM 613953.

Allele frequency attached by ClinVar (database versions not stated): gnomAD exomes 0.00003 and 0.00010; ExAC 0.00016; 1000 Genomes Project 30x 0.00031; 1000 Genomes Project 0.00040; gnomAD 0.00040 and 0.00043; TOPMed 0.00049; ESP Exome Variant Server 0.00077.
gnomAD v4.1: 110 of 1,612,914 alleles (0.0068%); highest among the groups gnomAD compares: African/African-American, 0.14%; 1 homozygote.

Submissions (3):

Ambry Genetics
Classification: Uncertain significance. Last evaluated: 2025-08-01. Review status: criteria provided, single submitter. Criteria: Ambry Variant Classification Scheme 2023. Collection method: clinical testing. Allele origin: germline.

Labcorp Genetics (formerly Invitae), Labcorp
Classification: Uncertain significance for Immunodeficiency 51. Last evaluated: 2022-09-08. Review status: criteria provided, single submitter. Criteria: Invitae Variant Classification Sherloc (09022015). Collection method: clinical testing. Allele origin: germline.
Comment: This sequence change replaces serine, which is neutral and polar, with alanine, which is neutral and non-polar, at codon 726 of the IL17RA protein (p.Ser726Ala). This variant is present in population databases (rs145526959, gnomAD 0.1%). This variant has not been reported in the literature in individuals affected with IL17RA-related conditions. ClinVar contains an entry for this variant (Variation ID: 944276). Algorithms developed to predict the effect of missense changes on protein structure and function (SIFT, PolyPhen-2, Align-GVGD) all suggest that this variant is likely to be tolerated. In summary, the available evidence is currently insufficient to determine the role of this variant in disease. Therefore, it has been classified as a Variant of Uncertain Significance.

Blueprint Genetics
Classification: Uncertain significance. Last evaluated: 2020-11-02. Review status: criteria provided, single submitter. Criteria: ACMG Guidelines, 2015. Collection method: clinical testing. Allele origin: germline.

NM_014339.7(IL17RA):c.2176T>G (p.Ser726Ala)

Gene: IL17RA (interleukin 17 receptor A; plus strand). Cytogenetic location: 22q11.1.
Variant type: single nucleotide variant.
Coding change: c.2176T>G on transcript NM_014339.7 (MANE Select); coding-DNA position 2176, T replaced by G.
Protein change: p.Ser726Ala; replaces serine 726 with alanine.
Molecular consequence: missense variant.
Genome position (GRCh38, 1-based): chr22:17,109,395, T>G. VCF-style: chr22-17109395-T-G. GRCh37 (hg19) VCF-style: chr22-17590285-T-G.
Other names: c.2074T>G, p.Ser692Ala (NM_001289905.2); c.2176T>G (NM_014339.5); short protein forms S692A, S726A.
Identifiers: ClinVar variation 944276 (VCV000944276.7), dbSNP rs145526959, ClinGen allele CA10086927.